The following is an entry in ClinVar:

NM_172341.4(PSENEN):c.185_200del (p.Val62fs)

Gene: PSENEN (presenilin enhancer, gamma-secretase subunit; plus strand). Cytogenetic location: 19q13.12.
Variant type: Deletion.
Coding change: c.185_200del on transcript NM_172341.4 (MANE Select); coding-DNA positions 185 to 200, 16 bases deleted (TGGGCTTCCTCTTCTG).
Protein change: p.Val62fs; shifts the reading frame from valine 62.
Molecular consequence: frameshift variant.
Genome position (GRCh38, 1-based): chr19:35,746,726-35,746,741, TGGGCTTCCTCTTCTG deleted; deleting any 16 consecutive bases within chr19:35,746,723-35,746,741 gives the same sequence; the c. name uses the placement nearest the transcript's 3' end. VCF-style (leftmost placement, unchanged base first): chr19-35746722-GCTGTGGGCTTCCTCTT-G. GRCh37 (hg19) VCF-style: chr19-36237623-GCTGTGGGCTTCCTCTT-G.
Other names: c.185_200del, p.Val62fs (NM_001281532.3); short protein forms V62fs.
Identifiers: ClinVar variation 2585266 (VCV002585266.1), dbSNP rs2513422071, ClinGen allele CA2582342951.

ClinVar aggregate classification (germline): Uncertain significance (1 of 4 stars; one submission).

Conditions:
Acne inversa, familial, 2 (ACNINV2). Also called: ACNE INVERSA, FAMILIAL, 2, WITH OR WITHOUT DOWLING-DEGOS DISEASE. Identifiers: MedGen C3151037, MONDO:0013397, OMIM 613736.

Submission:

Neuberg Centre For Genomic Medicine, NCGM
Classification: Uncertain significance for Acne inversa, familial, 2. Review status: criteria provided, single submitter. Criteria: ACMG Guidelines, 2015. Collection method: clinical testing. Allele origin: germline. Inheritance: Autosomal dominant inheritance. Affected: yes.
Comment: The frameshift deletion p.V62Gfs*2 in PSENEN (NM_172341.4) has not been reported previously as a pathogenic variant nor as a benign variant, to our knowledge. The p.V62Gfs*2 variant is novel (not in any individuals) in gnomAD Exomes and is novel (not in any individuals) in 1000 Genomes. This variant causes a frameshift starting with codon Valine 62, changes this amino acid to Glycine residue, and creates a premature Stop codon at position 2 of the new reading frame, denoted p.Val62GlyfsTer2. This variant is present in the last exon and hence functional studies will be required to prove protein truncation. For these reasons, this variant has been classified as Uncertain Significance.